The following is an entry in ClinVar:

NM_000287.4(PEX6):c.866G>A (p.Gly289Glu)

Gene: PEX6 (peroxisomal biogenesis factor 6; minus strand). Cytogenetic location: 6p21.1.
Variant type: single nucleotide variant.
Coding change: c.866G>A on transcript NM_000287.4 (MANE Select); coding-DNA position 866, G replaced by A.
Protein change: p.Gly289Glu; replaces glycine 289 with glutamic acid.
Molecular consequence: missense variant. On other transcripts: non-coding transcript variant (1), intron variant (1).
Genome position (GRCh38, 1-based): chr6:42,978,285, C>T on the plus strand (G>A on the coding strand, the complement: PEX6 is on the minus strand). VCF-style: chr6-42978285-C-T. GRCh37 (hg19) VCF-style: chr6-42946023-C-T.
Other names: c.618+248G>A (NM_001316313.2); short protein forms G289E.
Identifiers: ClinVar variation 2016330 (VCV002016330.4), dbSNP rs2481275032, ClinGen allele CA364161342.

ClinVar aggregate classification (germline): Uncertain significance (1 of 4 stars; one submission).

Conditions:
Peroxisome biogenesis disorder. Identifiers: Orphanet 79189, MedGen C1832200, MONDO:0019234. Disease mechanism: loss of function.

Submission:

Labcorp Genetics (formerly Invitae), Labcorp
Classification: Uncertain significance for Peroxisome biogenesis disorder. Last evaluated: 2022-07-12. Review status: criteria provided, single submitter. Criteria: Invitae Variant Classification Sherloc (09022015). Collection method: clinical testing. Allele origin: germline.
Comment: In summary, the available evidence is currently insufficient to determine the role of this variant in disease. Therefore, it has been classified as a Variant of Uncertain Significance. Algorithms developed to predict the effect of missense changes on protein structure and function are either unavailable or do not agree on the potential impact of this missense change (SIFT: "Tolerated"; PolyPhen-2: "Possibly Damaging"; Align-GVGD: "Class C0"). This variant has not been reported in the literature in individuals affected with PEX6-related conditions. This variant is not present in population databases (gnomAD no frequency). This sequence change replaces glycine, which is neutral and non-polar, with glutamic acid, which is acidic and polar, at codon 289 of the PEX6 protein (p.Gly289Glu).